The following is an entry in ClinVar:

ClinVar aggregate classification (germline): Likely pathogenic (1 of 4 stars; one submission).

Conditions:
Bardet-Biedl syndrome 7 (BBS7). Identifiers: Orphanet 110, MedGen C1859565, MONDO:0014435, OMIM 615984.

Submission:

Laboratory Cellgenetics, GMDL Cellgenetics
Classification: Likely pathogenic for Bardet-Biedl syndrome 7. Last evaluated: 2026-02-28. Review status: criteria provided, single submitter. Criteria: ACMG Guidelines, 2015. Collection method: clinical testing, in vitro. Allele origin: paternal, not applicable. Inheritance: Autosomal recessive inheritance. Affected: yes. Observed: 1 variant allele, 1 compound heterozygote. Functional consequence: included pseudoexon, skipped exon.
Comment: Targeted RNA analysis was performed and demonstrated leaky splicing and identified two aberrant transcripts: one showing pseudoexon inclusion and another showing exon skipping with concomitant pseudoexon inclusion. Both transcripts are expected to result in loss of function through a frameshift leading to a premature termination codon. Based on (PVS1 (RNA)), PM2 and PM3 ACMG criteria the intronic variant was classified as likely pathogenic.

NM_176824.3(BBS7):c.1676+1171T>G

Gene: BBS7 (Bardet-Biedl syndrome 7; minus strand). Cytogenetic location: 4q27.
Variant type: single nucleotide variant.
Coding change: c.1676+1171T>G on transcript NM_176824.3 (MANE Select); 1171 bases into the intron after coding-DNA position 1676, T replaced by G.
Molecular consequence: intron variant.
Genome position (GRCh38, 1-based): chr4:121,832,060, A>C on the plus strand (T>G on the coding strand, the complement: BBS7 is on the minus strand). VCF-style: chr4-121832060-A-C. GRCh37 (hg19) VCF-style: chr4-122753215-A-C.
Other names: c.1676+1171T>G (NM_018190.4).
Identifiers: ClinVar variation 4884737 (VCV004884737.1).
Genomic context (GRCh38, chr4:121,832,060, plus strand): 5'-AAAAACAAAAACACACACACACACACACACACACACACACACACAAAACAAACAACCTAC[A>C]GGCCAGGTGTGGTGGCTCACGCCTATAATCCCAGCACTTTAGGAGGCCAACGCAGGAGGA-3'